The following is an entry in ClinVar:

ClinVar aggregate classification (germline): Conflicting classifications of pathogenicity. Review status: criteria provided, conflicting classifications (1 of 4 stars). 12 submissions from 11 submitters: Uncertain significance (1); Benign (5); Likely benign (1). 5 of the submissions do not count toward it. Last evaluated 2026-01-15.

Conditions:
Naxos disease (NXD). Also called: KERATOSIS PALMOPLANTARIS WITH ARRHYTHMOGENIC CARDIOMYOPATHY; MAL DE NAXOS; PALMOPLANTAR KERATODERMA WITH ARRHYTHMOGENIC RIGHT VENTRICULAR CARDIOMYOPATHY AND WOOLLY HAIR; WOOLLY HAIR, PALMOPLANTAR KERATODERMA, AND CARDIAC ABNORMALITIES; CARDIOMYOPATHY, ARRHYTHMOGENIC RIGHT VENTRICULAR, WITH SKIN, HAIR, AND NAIL ABNORMALITIES. Identifiers: Orphanet 34217, MedGen C1832600, MONDO:0011017, OMIM 601214.
Arrhythmogenic right ventricular dysplasia 12. Also called: ARRHYTHMOGENIC RIGHT VENTRICULAR DYSPLASIA, FAMILIAL, 12. Identifiers: MedGen C1969081, MONDO:0012684, OMIM 611528.
Cardiomyopathy (CMYO). Also called: Cardiomyopathies. Identifiers: Orphanet 167848, MedGen C0878544, MONDO:0004994, HP:0001638. Inheritance: Various modes of inheritance.

Allele frequency attached by ClinVar (database versions not stated): gnomAD 0.00007 and 0.00052; ESP Exome Variant Server 0.00008; TOPMed 0.00015; gnomAD exomes 0.00096 and 0.00213; ExAC 0.00229; 1000 Genomes Project 0.00339; 1000 Genomes Project 30x 0.00422.
gnomAD v4.1: 1,499 of 1,604,034 alleles (0.093%); highest among the groups gnomAD compares: South Asian, 1.4%; 33 homozygotes.

Submissions (12):

Labcorp Genetics (formerly Invitae), Labcorp
Classification: Benign for Arrhythmogenic right ventricular dysplasia 12; Naxos disease. Last evaluated: 2026-01-15. Review status: criteria provided, single submitter. Criteria: Invitae Variant Classification Sherloc (09022015). Collection method: clinical testing. Allele origin: germline.

Women's Health and Genetics/Laboratory Corporation of America, LabCorp
Classification: Benign. Last evaluated: 2025-04-24. Review status: criteria provided, single submitter. Criteria: LabCorp Variant Classification Summary - May 2015. Collection method: clinical testing. Allele origin: germline.
Comment: Variant summary: JUP c.1774-6C>T alters a non-conserved nucleotide located at a position not widely known to affect splicing. Consensus agreement among computation tools predict no significant impact on normal splicing. However, these predictions have yet to be confirmed by functional studies. The variant allele was found at a frequency of 0.0021 in 237562 control chromosomes, predominantly at a frequency of 0.016 within the South Asian subpopulation in the gnomAD database, including 13 homozygotes. The observed variant frequency within South Asian control individuals in the gnomAD database is approximately 1599.99 fold of the estimated maximal expected allele frequency for a pathogenic variant in JUP causing Arrhythmia phenotype (1e-05). c.1774-6C>T has been detected in samples from a sudden unexpected death in infants cohort, but was classified as benign (Heathfield_2022). To our knowledge, no experimental evidence demonstrating an impact on protein function has been reported. ClinVar contains an entry for this variant (Variation ID: 239105). Based on the evidence outlined above, the variant was classified as benign.

CHEO Genetics Diagnostic Laboratory, Children's Hospital of Eastern Ontario
Classification: Benign for Cardiomyopathy. Last evaluated: 2022-11-16. Review status: criteria provided, single submitter. Criteria: ACMG Guidelines, 2015. Collection method: clinical testing. Allele origin: germline.

Illumina Laboratory Services, Illumina
Classification: Likely benign for Arrhythmogenic right ventricular dysplasia 12. Last evaluated: 2018-01-13. Review status: criteria provided, single submitter. Criteria: ICSL Variant Classification Criteria 13 December 2019. Collection method: clinical testing. Allele origin: germline.
Comment: This variant was observed in the ICSL laboratory as part of a predisposition screen in an ostensibly healthy population. It had not been previously curated by ICSL or reported in the Human Gene Mutation Database (HGMD: prior to June 1st, 2018), and was therefore a candidate for classification through an automated scoring system. Utilizing variant allele frequency, disease prevalence and penetrance estimates, and inheritance mode, an automated score was calculated to assess if this variant is too frequent to cause the disease. Based on the score and internal cut-off values, a variant classified as likely benign is not then subjected to further curation. The score for this variant resulted in a classification of likely benign for this disease.

Illumina Laboratory Services, Illumina
Classification: Uncertain significance for Naxos disease. Last evaluated: 2018-01-13. Review status: criteria provided, single submitter. Criteria: ICSL Variant Classification Criteria 13 December 2019. Collection method: clinical testing. Allele origin: germline.

Laboratory for Molecular Medicine, Mass General Brigham Personalized Medicine
Classification: Benign. Last evaluated: 2016-05-18. Review status: criteria provided, single submitter. Criteria: LMM Criteria. Collection method: clinical testing. Allele origin: germline. Observed: 2 variant alleles.
Comment: c.1774-6C>T of JUP: This variant is not expected to have clinical significance b ecause a C>T change at this position does not diverge from the splice consensus sequence and is therefore unlikely to impact splicing. It has been identified in 1.8% (241/13422) of South Asian chromosomes by the Exome Aggregation Consortium (ExAC; dbSNP rs375016135).

GeneDx
Classification: Benign. Last evaluated: 2015-03-03. Review status: criteria provided, single submitter. Criteria: GeneDx Variant Classification Process June 2021. Collection method: clinical testing. Allele origin: germline. Affected: yes.

Clinical Genetics DNA and cytogenetics Diagnostics Lab, Erasmus MC, Erasmus Medical Center
Classification: Benign. Review status: no assertion criteria provided. Collection method: clinical testing. Allele origin: germline. Affected: yes. Study: VKGL Data-share Consensus. Not counted in ClinVar's aggregate classification.

Clinical Genetics, Academic Medical Center
Classification: Benign. Review status: no assertion criteria provided. Collection method: clinical testing. Allele origin: germline. Affected: yes. Study: VKGL Data-share Consensus. Not counted in ClinVar's aggregate classification.

Diagnostic Laboratory, Department of Genetics, University Medical Center Groningen
Classification: Likely benign. Review status: no assertion criteria provided. Collection method: clinical testing. Allele origin: germline. Affected: yes. Study: VKGL Data-share Consensus. Not counted in ClinVar's aggregate classification.

Genome Diagnostics Laboratory, University Medical Center Utrecht
Classification: Likely benign. Review status: no assertion criteria provided. Collection method: clinical testing. Allele origin: germline. Affected: yes. Study: VKGL Data-share Consensus. Not counted in ClinVar's aggregate classification.

Joint Genome Diagnostic Labs from Nijmegen and Maastricht, Radboudumc and MUMC+
Classification: Likely benign. Review status: no assertion criteria provided. Collection method: clinical testing. Allele origin: germline. Affected: yes. Study: VKGL Data-share Consensus. Not counted in ClinVar's aggregate classification.

Literature cited by the submitters: PubMed 36267857 (cited by Women's Health and Genetics/Laboratory Corporation of America, LabCorp).

NM_002230.4(JUP):c.1774-6C>T

Gene: JUP (junction plakoglobin; minus strand). Cytogenetic location: 17q21.2.
Variant type: single nucleotide variant.
Coding change: c.1774-6C>T on transcript NM_002230.4 (MANE Select); 6 bases into the intron before coding-DNA position 1774, C replaced by T.
Molecular consequence: intron variant.
Genome position (GRCh38, 1-based): chr17:41,757,790, G>A on the plus strand (C>T on the coding strand, the complement: JUP is on the minus strand). VCF-style: chr17-41757790-G-A. GRCh37 (hg19) VCF-style: chr17-39914042-G-A.
Other names: c.1774-6C>T (NM_001352774.2, NM_021991.4, NM_001352776.2 and 3 more transcripts).
Identifiers: ClinVar variation 239105 (VCV000239105.31), dbSNP rs375016135, ClinGen allele CA8565111.
Genomic context (GRCh38, chr17:41,757,790, plus strand): 5'-CACACAGCACCCCGGCAGCCACGCGCTGGATGTTCTCCACCGACGAGTACAGGAGCTGGG[G>A]AGAGGGGACGTGGGAAGCAGGGGAGAGGTGGAAAGGGGTGAGGCAGGCCGGACAACACAC-3'